The following is an entry in ClinVar:

NM_018109.4(MTPAP):c.1550C>T (p.Pro517Leu)

Gene: MTPAP (mitochondrial poly(A) polymerase; minus strand). Cytogenetic location: 10p11.23.
Variant type: single nucleotide variant.
Coding change: c.1550C>T on transcript NM_018109.4 (MANE Select); coding-DNA position 1550, C replaced by T.
Protein change: p.Pro517Leu; replaces proline 517 with leucine.
Molecular consequence: missense variant.
Genome position (GRCh38, 1-based): chr10:30,313,808, G>A on the plus strand (C>T on the coding strand, the complement: MTPAP is on the minus strand). VCF-style: chr10-30313808-G-A. GRCh37 (hg19) VCF-style: chr10-30602737-G-A.
Other names: c.1550C>T (NM_018109.3); short protein forms P517L.
Identifiers: ClinVar variation 1494230 (VCV001494230.8), dbSNP rs140416149, ClinGen allele CA5458925.
Genomic context (GRCh38, chr10:30,313,808, plus strand): 5'-TTTGGAGCAGATGGTAGCAATAGGGATACCAGCCCCCAGGGCCGATTACTTGATATGGAA[G>A]GTCGATCTGTATCTTCCTGTTGTAAAATCCAGGCACTTTCTCGGGCCAAATCTACAAATT-3'
Protein context (NP_060579.3, residues 507-527): WILQQEDTDR[Pro517Leu]SISSNRPWGL

ClinVar aggregate classification (germline): Conflicting classifications of pathogenicity. Review status: criteria provided, conflicting classifications (1 of 4 stars). 4 submissions from 4 submitters: Uncertain significance (3); Likely benign (1). Last evaluated 2026-10-01.

Conditions:
Spastic ataxia 4. Identifiers: Orphanet 254343, MedGen C3150925, MONDO:0013354, OMIM 613672.
Inborn genetic diseases. Identifiers: MedGen C0950123, MeSH D030342.

Allele frequency attached by ClinVar (database versions not stated): TOPMed 0.00003; gnomAD 0.00005; gnomAD exomes 0.00008; ExAC 0.00010.
gnomAD v4.1: 86 of 1,614,090 alleles (0.0053%); highest among the groups gnomAD compares: Middle Eastern, 0.049%; no homozygotes.

Submissions (4):

GeneDx
Classification: Uncertain significance. Last evaluated: 2026-10-01. Review status: criteria provided, single submitter. Criteria: GeneDx Variant Classification Process June 2021. Collection method: clinical testing. Allele origin: germline.
Comment: Has not been previously published as pathogenic or benign to our knowledge; In silico analysis supports that this missense variant has a deleterious effect on protein structure/function

Ambry Genetics
Classification: Likely benign for Inborn genetic diseases. Last evaluated: 2025-05-20. Review status: criteria provided, single submitter. Criteria: Ambry Variant Classification Scheme 2023. Collection method: clinical testing. Allele origin: germline.

Labcorp Genetics (formerly Invitae), Labcorp
Classification: Uncertain significance. Last evaluated: 2024-11-11. Review status: criteria provided, single submitter. Criteria: Invitae Variant Classification Sherloc (09022015). Collection method: clinical testing. Allele origin: germline.
Comment: This sequence change replaces proline, which is neutral and non-polar, with leucine, which is neutral and non-polar, at codon 517 of the MTPAP protein (p.Pro517Leu). This variant is present in population databases (rs140416149, gnomAD 0.01%). This variant has not been reported in the literature in individuals affected with MTPAP-related conditions. ClinVar contains an entry for this variant (Variation ID: 1494230). An algorithm developed to predict the effect of missense changes on protein structure and function outputs the following: PolyPhen-2: "Benign". The leucine amino acid residue is found in multiple mammalian species, which suggests that this missense change does not adversely affect protein function. In summary, the available evidence is currently insufficient to determine the role of this variant in disease. Therefore, it has been classified as a Variant of Uncertain Significance.

Fulgent Genetics
Classification: Uncertain significance for Spastic ataxia 4. Last evaluated: 2024-01-19. Review status: criteria provided, single submitter. Criteria: ACMG Guidelines, 2015. Collection method: clinical testing. Allele origin: germline.